The following is an entry in ClinVar:

GRCh37/hg19 18q23(chr18:76399247-78015180)x1

Genes: ADNP2 (ADNP homeobox 2; plus strand), ATP9B (ATPase phospholipid transporting 9B (putative); plus strand), CTDP1 (CTD phosphatase subunit 1; plus strand), HSBP1L1 (heat shock factor binding protein 1 like 1; plus strand), KCNG2 (potassium voltage-gated channel modifier subfamily G member 2; plus strand) and 6 more. Cytogenetic location: 18q23.
Variant type: copy number loss.
Change: copy number 1 (one copy instead of two) of chr18:76,399,247-78,015,180 (1.62 Mb, GRCh37 coordinates, 1-based), cytogenetic band 18q23.
Identifiers: ClinVar variation 446345 (VCV000446345.4).

ClinVar aggregate classification (germline): Pathogenic (1 of 4 stars; one submission).

Submission:

Clinical Genomics Laboratory, Laboratory for Precision Diagnostics, University of Washington
Classification: Pathogenic. Last evaluated: 2017-05-10. Review status: criteria provided, single submitter. Criteria: Clinical Cytogenomics Laboratory Policy on CNV Interpretation. Collection method: clinical testing. Allele origin: unknown. Affected: yes. Observed: 1 variant allele.

Literature cited by the submitters: PubMed 25339348; Schinzel A. Catalogue of Unbalanced Chromosome Aberrations in Man. Second Edition ed. Berlin; New York: de Gruyter; 2001; p.741-747..